The following is an entry in ClinVar:

NM_000256.3(MYBPC3):c.2897A>T (p.Glu966Val)

Gene: MYBPC3 (myosin binding protein C3; minus strand). Cytogenetic location: 11p11.2.
Variant type: single nucleotide variant.
Coding change: c.2897A>T on transcript NM_000256.3 (MANE Select); coding-DNA position 2897, A replaced by T.
Protein change: p.Glu966Val; replaces glutamic acid 966 with valine.
Molecular consequence: missense variant.
Genome position (GRCh38, 1-based): chr11:47,335,050, T>A on the plus strand (A>T on the coding strand, the complement: MYBPC3 is on the minus strand). VCF-style: chr11-47335050-T-A. GRCh37 (hg19) VCF-style: chr11-47356601-T-A.
Other names: p.E966V:GAG>GTG; c.2897A>T, p.Glu966Val (LRG_386t1); short protein forms E966V.
Identifiers: ClinVar variation 180987 (VCV000180987.6), dbSNP rs730880579, ClinGen allele CA013126.

ClinVar aggregate classification (germline): Uncertain significance. Review status: criteria provided, multiple submitters, no conflicts (2 of 4 stars). 3 submissions from 3 submitters: Uncertain significance (3). Last evaluated 2025-10-22.

Conditions:
Cardiovascular phenotype. Identifiers: MedGen CN230736.
Hypertrophic cardiomyopathy. Also called: HYPERTROPHIC MYOCARDIOPATHY. Identifiers: Orphanet 217569, MedGen C0007194, MeSH D002312, MONDO:0005045, HP:0001639.

Submissions (3):

Labcorp Genetics (formerly Invitae), Labcorp
Classification: Uncertain significance for Hypertrophic cardiomyopathy. Last evaluated: 2025-10-22. Review status: criteria provided, single submitter. Criteria: Invitae Variant Classification Sherloc (09022015). Collection method: clinical testing. Allele origin: germline.
Comment: This sequence change replaces glutamic acid, which is acidic and polar, with valine, which is neutral and non-polar, at codon 966 of the MYBPC3 protein (p.Glu966Val). This variant is not present in population databases (gnomAD no frequency). This variant has not been reported in the literature in individuals affected with MYBPC3-related conditions. ClinVar contains an entry for this variant (Variation ID: 180987). An algorithm developed to predict the effect of missense changes on protein structure and function (PolyPhen-2) suggests that this variant is likely to be disruptive. Algorithms developed to predict the effect of sequence changes on RNA splicing suggest that this variant may disrupt the consensus splice site. In summary, the available evidence is currently insufficient to determine the role of this variant in disease. Therefore, it has been classified as a Variant of Uncertain Significance.

Ambry Genetics
Classification: Uncertain significance for Cardiovascular phenotype. Last evaluated: 2023-05-25. Review status: criteria provided, single submitter. Criteria: Ambry Variant Classification Scheme 2023. Collection method: clinical testing. Allele origin: germline.
Comment: The p.E966V variant (also known as c.2897A>T), located in coding exon 27 of the MYBPC3 gene, results from an A to T substitution at nucleotide position 2897. The glutamic acid at codon 966 is replaced by valine, an amino acid with dissimilar properties. This amino acid position is highly conserved in available vertebrate species. In addition, the in silico prediction for this alteration is inconclusive. Since supporting evidence is limited at this time, the clinical significance of this alteration remains unclear.

GeneDx
Classification: Uncertain significance. Last evaluated: 2017-05-21. Review status: criteria provided, single submitter. Criteria: GeneDx Variant Classification (06012015). Collection method: clinical testing. Allele origin: germline. Affected: yes.
Comment: A variant of uncertain significance has been identified in the MYBPC3 gene. The E966V variant has not been published as pathogenic or been reported as benign to our knowledge. This variant is not observed in large population cohorts (Lek et al., 2016; 1000 Genomes Consortium et al., 2015; Exome Variant Server). The E966V variant is a non-conservative amino acid substitution, which is likely to impact secondary protein structure as these residues differ in polarity, charge, size and/or other properties. This substitution occurs at a position that is conserved across species. In silico analysis predicts this variant is probably damaging to the protein structure/function. Additionally, splice prediction algorithms predict that this variant creates a new cryptic splice donor site in exon 27 upstream of the natural splice donor site for intron 27, which may lead to abnormal gene splicing. However, this variant lacks observation in a significant number of affected individuals, segregation data, and functional evidence, which would further clarify its pathogenicity.